The following is an entry in ClinVar:

NM_000441.2(SLC26A4):c.128G>A (p.Arg43His)

Genes: SLC26A4 (solute carrier family 26 member 4; plus strand), SLC26A4-AS1 (SLC26A4 antisense RNA 1; minus strand). Cytogenetic location: 7q22.3.
Variant type: single nucleotide variant.
Coding change: c.128G>A on transcript NM_000441.2 (MANE Select); coding-DNA position 128, G replaced by A.
Protein change: p.Arg43His; replaces arginine 43 with histidine.
Molecular consequence: missense variant. On other transcripts: non-coding transcript variant (1).
Genome position (GRCh38, 1-based): chr7:107,661,769, G>A. VCF-style: chr7-107661769-G-A. GRCh37 (hg19) VCF-style: chr7-107302214-G-A.
Other names: short protein forms R43H.
Identifiers: ClinVar variation 504923 (VCV000504923.42), dbSNP rs372116042, ClinGen allele CA4432368.

ClinVar aggregate classification (germline): Uncertain significance. Review status: criteria provided, multiple submitters, no conflicts (2 of 4 stars). 10 submissions from 9 submitters: Uncertain significance (8). 2 of the submissions do not count toward it. Last evaluated 2026-09-14.

Conditions:
Pendred syndrome (PDS). Also called: Pendred's syndrome; GOITER-DEAFNESS SYNDROME; HYPOTHYROIDISM, CONGENITAL, DUE TO DYSHORMONOGENESIS, 2B; Pendred Syndrome (PDS); DEAFNESS WITH GOITER; THYROID DYSHORMONOGENESIS 2B. Identifiers: Orphanet 705, MedGen C0271829, MONDO:0010134, OMIM 274600.
Autosomal recessive nonsyndromic hearing loss 4 (DFNB4). Also called: Enlarged vestibular aqueduct, digenic; DEAFNESS, AUTOSOMAL RECESSIVE 4, WITH ENLARGED VESTIBULAR AQUEDUCT, DIGENIC; NEUROSENSORY NONSYNDROMIC RECESSIVE DEAFNESS 4; Deafness, autosomal recessive 4, with enlarged vestibular aqueduct; Deafness, autosomal recessive 4; FOXI1-Related Pendred Syndrome. Identifiers: Orphanet 90636, MedGen C3538946, MONDO:0010933, OMIM 600791.
SLC26A4-related disorder. Also called: SLC26A4-related condition; SLC26A4-related disorders.

Allele frequency attached by ClinVar (database versions not stated): gnomAD 0.00006; TOPMed 0.00010; ESP Exome Variant Server 0.00024.

Submissions (10):

PreventionGenetics, part of Exact Sciences
Classification: Uncertain significance for SLC26A4-related condition. Last evaluated: 2026-09-14. Review status: criteria provided, single submitter. Criteria: ACMG Guidelines, 2015. Collection method: clinical testing. Allele origin: germline.
Comment: The SLC26A4 c.128G>A variant is predicted to result in the amino acid substitution p.Arg43His. This variant was reported in the heterozygous state without a second potentially causative variant in an individual with hearing loss (Table S2, Dahl et al. 2013. PubMed ID: 23555729). This variant is reported in 0.020% of alleles in individuals of European (Non-Finnish) descent in gnomAD. At this time, the clinical significance of this variant is uncertain due to the absence of conclusive functional and genetic evidence.

CeGaT Center for Human Genetics Tuebingen
Classification: Uncertain significance. Last evaluated: 2024-10-01. Review status: criteria provided, single submitter. Criteria: CeGaT Center For Human Genetics Tuebingen Variant Classification Criteria Version 2. Collection method: clinical testing. Allele origin: germline. Affected: yes. Observed: 1 variant allele.

Blueprint Genetics
Classification: Uncertain significance. Last evaluated: 2023-12-18. Review status: criteria provided, single submitter. Criteria: ACMG Guidelines, 2015. Collection method: clinical testing. Allele origin: germline.

Labcorp Genetics (formerly Invitae), Labcorp
Classification: Uncertain significance. Last evaluated: 2021-12-25. Review status: criteria provided, single submitter. Criteria: Invitae Variant Classification Sherloc (09022015). Collection method: clinical testing. Allele origin: germline.
Comment: This sequence change replaces arginine, which is basic and polar, with histidine, which is basic and polar, at codon 43 of the SLC26A4 protein (p.Arg43His). The frequency data for this variant in the population databases is considered unreliable, as metrics indicate poor data quality at this position in the gnomAD database. This missense change has been observed in individual(s) with deafness (PMID: 23555729). ClinVar contains an entry for this variant (Variation ID: 504923). Advanced modeling of protein sequence and biophysical properties (such as structural, functional, and spatial information, amino acid conservation, physicochemical variation, residue mobility, and thermodynamic stability) performed at Invitae indicates that this missense variant is not expected to disrupt SLC26A4 protein function. In summary, the available evidence is currently insufficient to determine the role of this variant in disease. Therefore, it has been classified as a Variant of Uncertain Significance.

Fulgent Genetics
Classification: Uncertain significance for Pendred syndrome; Autosomal recessive nonsyndromic hearing loss 4. Last evaluated: 2021-09-22. Review status: criteria provided, single submitter. Criteria: ACMG Guidelines, 2015. Collection method: clinical testing. Allele origin: unknown.

Genome-Nilou Lab
Classification: Uncertain significance for Autosomal recessive nonsyndromic hearing loss 4. Last evaluated: 2021-09-05. Review status: criteria provided, single submitter. Criteria: ACMG Guidelines, 2015. Collection method: clinical testing. Allele origin: germline. Affected: no.

Genome-Nilou Lab
Classification: Uncertain significance for Pendred syndrome. Last evaluated: 2021-09-05. Review status: criteria provided, single submitter. Criteria: ACMG Guidelines, 2015. Collection method: clinical testing. Allele origin: germline. Affected: no.

Laboratory for Molecular Medicine, Mass General Brigham Personalized Medicine
Classification: Uncertain significance. Last evaluated: 2016-04-21. Review status: criteria provided, single submitter. Criteria: LMM Criteria. Collection method: clinical testing. Allele origin: germline. Observed: 1 variant allele.
Comment: The p.Arg43His variant in SLC26A4 has not been previously reported in individual s with cardiomyopathy but has been identified in 3/8246 of European chromosomes by the Exome Aggregation Consortium (ExAC; dbSNP rs372116042). Although this variant has been seen in the general population, i ts frequency is not high enough to rule out a pathogenic role. Computational pre diction tools and conservation analysis do not provide strong support for or aga inst an impact to the protein. In summary, the clinical significance of the p.Ar g43His variant is uncertain.

Natera, Inc.
Classification: Uncertain significance for Pendred syndrome. Last evaluated: 2020-03-05. Review status: no assertion criteria provided. Collection method: clinical testing. Allele origin: germline. Not counted in ClinVar's aggregate classification.

Counsyl
Classification: Uncertain significance for Pendred syndrome. Last evaluated: 2016-12-29. Review status: no assertion criteria provided. Collection method: clinical testing. Allele origin: unknown. Not counted in ClinVar's aggregate classification.

Literature cited by the submitters: PubMed 23555729 (cited by Labcorp Genetics (formerly Invitae), Labcorp and Counsyl).